The following is an entry in ClinVar:

ClinVar aggregate classification (germline): Uncertain significance (1 of 4 stars; one submission).

Submission:

Ambry Genetics
Classification: Uncertain significance. Last evaluated: 2022-05-09. Review status: criteria provided, single submitter. Criteria: Ambry Variant Classification Scheme 2023. Collection method: clinical testing. Allele origin: germline.
Comment: The p.S1657C variant (also known as c.4970C>G), located in coding exon 44 of the KIF1B gene, results from a C to G substitution at nucleotide position 4970. The serine at codon 1657 is replaced by cysteine, an amino acid with dissimilar properties. This amino acid position is conserved. In addition, the in silico prediction for this alteration is inconclusive. Since supporting evidence is limited at this time, the clinical significance of this alteration remains unclear.

NM_001365951.3(KIF1B):c.5108C>G (p.Ser1703Cys)

Gene: KIF1B (kinesin family member 1B; plus strand). Cytogenetic location: 1p36.22.
Variant type: single nucleotide variant.
Coding change: c.5108C>G on transcript NM_001365951.3 (MANE Select); coding-DNA position 5108, C replaced by G.
Protein change: p.Ser1703Cys; replaces serine 1703 with cysteine.
Molecular consequence: missense variant.
Genome position (GRCh38, 1-based): chr1:10,374,865, C>G. VCF-style: chr1-10374865-C-G. GRCh37 (hg19) VCF-style: chr1-10434923-C-G.
Other names: c.5108C>G, p.Ser1703Cys (NM_001365952.1); c.4970C>G, p.Ser1657Cys (NM_015074.3); short protein forms S1703C, S1657C.
Identifiers: ClinVar variation 1744465 (VCV001744465.2), dbSNP rs2521982201, ClinGen allele CA338330152.
Genomic context (GRCh38, chr1:10,374,865, plus strand): 5'-TTATTTTCTTTTTGTGAGAAACTAACTTTTGTCATATTGTCGTTTTTAGCTCAGTGGTCT[C>G]TAAGAAAGGATACCTTCATTTCAAGGAGCCTCTTTACAGTAACTGGGCTAAACATTTTGT-3'
Protein context (NP_001352880.1, residues 1693-1713): IEEIRPSSVV[Ser1703Cys]KKGYLHFKEP